The following is an entry in ClinVar:

NM_003040.4(SLC4A2):c.61G>A (p.Glu21Lys)

Gene: SLC4A2 (solute carrier family 4 member 2; plus strand). Cytogenetic location: 7q36.1.
Variant type: single nucleotide variant.
Coding change: c.61G>A on transcript NM_003040.4 (MANE Select); coding-DNA position 61, G replaced by A.
Protein change: p.Glu21Lys; replaces glutamic acid 21 with lysine.
Molecular consequence: missense variant.
Genome position (GRCh38, 1-based): chr7:151,064,211, G>A. VCF-style: chr7-151064211-G-A. GRCh37 (hg19) VCF-style: chr7-150761298-G-A.
Other names: c.61G>A, p.Glu21Lys (NM_001199692.3); c.34G>A, p.Glu12Lys (NM_001199693.1); c.19G>A, p.Glu7Lys (NM_001199694.2); short protein forms E21K, E12K, E7K.
Identifiers: ClinVar variation 64517 (VCV000064517.2), dbSNP rs387907525, ClinGen allele CA216323.

ClinVar aggregate classification (germline): Uncertain significance (0 of 4 stars; one submission).

Allele frequency attached by ClinVar (database versions not stated): gnomAD exomes below 0.00001.
gnomAD v4.1: 1 of 1,612,314 alleles (0.000062%); highest among the groups gnomAD compares: Non-Finnish European, 0.000085%; no homozygotes.

Submission:

Martin Pollak Laboratory,  Beth Israel Deaconess Medical Center
Classification: Uncertain significance. Review status: no assertion criteria provided. Collection method: not provided. Allele origin: unknown.
Comment: Lower UCa2+ group
ClinVar note: Converted during submission from unknown to Uncertain significance.